The following is an entry in ClinVar:

ClinVar aggregate classification (germline): Conflicting classifications of pathogenicity. Review status: criteria provided, conflicting classifications (1 of 4 stars). 5 submissions from 5 submitters: Uncertain significance (4); Likely benign (1). Last evaluated 2024-01-11.

Conditions:
Marfan syndrome (MFS). Also called: MARFAN SYNDROME, TYPE I; FBN1-Related Marfan Syndrome; Marfan syndrome, classic; Marfan syndrome type 1; Marfan's syndrome. Identifiers: Orphanet 284963, Orphanet 558, MedGen C0024796, MONDO:0007947, OMIM 154700.
Familial thoracic aortic aneurysm and aortic dissection (TAAD). Also called: Thoracic aortic aneurysms and dissections. Identifiers: Orphanet 91387, MedGen C4707243, MONDO:0019625.

Allele frequency attached by ClinVar (database versions not stated): gnomAD 0.00001; gnomAD exomes below 0.00001; TOPMed 0.00001.
gnomAD v4.1: 5 of 1,614,046 alleles (0.00031%); highest among the groups gnomAD compares: African/African-American, 0.0013%; no homozygotes.

Submissions (5):

All of Us Research Program, National Institutes of Health
Classification: Uncertain significance for Marfan syndrome. Last evaluated: 2024-01-11. Review status: criteria provided, single submitter. Criteria: ACMG Guidelines, 2015. Collection method: clinical testing. Allele origin: germline. Inheritance: Autosomal dominant inheritance. Observed: 3 variant alleles, 3 heterozygotes.
Comment: Variant of Uncertain Significance due to insufficient evidence: This missense variant replaces threonine with arginine at codon 2733 of the FBN1 protein. Computational prediction tools and conservation analyses are inconclusive regarding the impact of this variant on the protein function. Computational splicing tools suggest that this variant may not impact RNA splicing. To our knowledge, functional assays have not been performed for this variant nor has this variant been reported in individuals affected with cardiovascular disorders in the literature. This variant has been identified in 1/30962 chromosomes in the general population by the Genome Aggregation Database (gnomAD). Available evidence is insufficient to determine the pathogenicity of this variant conclusively.

This study involves interpretation of variants in research participants for the purpose of population health screening. Participant phenotype was not available at the time of variant classification. Additional details can be found in publication PMID: 35346344, PMCID: PMC8962531

Labcorp Genetics (formerly Invitae), Labcorp
Classification: Likely benign for Marfan syndrome; Familial thoracic aortic aneurysm and aortic dissection. Last evaluated: 2023-10-13. Review status: criteria provided, single submitter. Criteria: Invitae Variant Classification Sherloc (09022015). Collection method: clinical testing. Allele origin: germline.

Color Diagnostics, LLC DBA Color Health
Classification: Uncertain significance for Familial thoracic aortic aneurysm and aortic dissection. Last evaluated: 2023-03-31. Review status: criteria provided, single submitter. Criteria: ACMG Guidelines, 2015. Collection method: clinical testing. Allele origin: germline.
Comment: This missense variant replaces threonine with arginine at codon 2733 of the FBN1 protein. Computational prediction suggests that this variant may not impact protein structure and function (internally defined REVEL score threshold <= 0.5, PMID: 27666373). To our knowledge, functional studies have not been reported for this variant. This variant has not been reported in individuals affected with FBN1-related disorders in the literature. This variant has been identified in 1/31390 chromosomes in the general population by the Genome Aggregation Database (gnomAD). The available evidence is insufficient to determine the role of this variant in disease conclusively. Therefore, this variant is classified as a Variant of Uncertain Significance.

Ambry Genetics
Classification: Uncertain significance for Familial thoracic aortic aneurysm and aortic dissection. Last evaluated: 2017-11-29. Review status: criteria provided, single submitter. Criteria: Ambry Variant Classification Scheme 2023. Collection method: clinical testing. Allele origin: germline.
Comment: The p.T2733R variant (also known as c.8198C>G), located in coding exon 64 of the FBN1 gene, results from a C to G substitution at nucleotide position 8198. The threonine at codon 2733 is replaced by arginine, an amino acid with similar properties. This amino acid position is poorly conserved in available vertebrate species. In addition, this alteration is predicted to be tolerated by in silico analysis. Since supporting evidence is limited at this time, the clinical significance of this alteration remains unclear.

GeneDx
Classification: Uncertain significance. Last evaluated: 2014-09-05. Review status: criteria provided, single submitter. Criteria: GeneDx Variant Classification (06012015). Collection method: clinical testing. Allele origin: germline. Affected: yes.
Comment: p.Thr2733Arg (ACA>AGA): c.8198 C>G in exon 65 of the FBN1 gene (NM_000138.4) A variant of unknown significance has been identified in the FBN1 gene. The T2733R variant has not been published as a mutation, nor has it been reported as a benign polymorphism to our knowledge. The T2733R variant was not observed in approximately 6,500 individuals of European and African American ancestry in the NHLBI Exome Sequencing Project, indicating it is not a common benign variant in these populations. The T2733R variant is a semi-conservative amino acid substitution, which may impact secondary protein structure as these residues differ in some properties. However, this substitution occurs at a position that is not conserved across species and in silico analysis is inconsistent in its predictions as to whether or not the variant is damaging to the protein structure/function. Furthermore, only one missense mutations in a nearby residue (R2726W) has been reported in association with Marfan syndrome, indicating this region of the protein may be tolerant of change. Therefore, based on the currently available information, it is unclear whether this variant is a pathogenic mutation or a rare benign variant. The variant is found in TAAD panel(s).

NM_000138.5(FBN1):c.8198C>G (p.Thr2733Arg)

Gene: FBN1 (fibrillin 1; minus strand). Cytogenetic location: 15q21.1.
Variant type: single nucleotide variant.
Coding change: c.8198C>G on transcript NM_000138.5 (MANE Select); coding-DNA position 8198, C replaced by G.
Protein change: p.Thr2733Arg; replaces threonine 2733 with arginine.
Molecular consequence: missense variant.
Genome position (GRCh38, 1-based): chr15:48,412,597, G>C on the plus strand (C>G on the coding strand, the complement: FBN1 is on the minus strand). VCF-style: chr15-48412597-G-C. GRCh37 (hg19) VCF-style: chr15-48704794-G-C.
Other names: p.T2733R:ACA>AGA; short protein forms T2733R.
Identifiers: ClinVar variation 200202 (VCV000200202.22), dbSNP rs794728340, ClinGen allele CA017608.
Genomic context (GRCh38, chr15:48,412,597, plus strand): 5'-GAGACATCAGGAGAAACTAACTTCTGACCCACCTCGATATTGGAGGCATCAGTTTCGTTT[G>C]TGCTTCTCCGTTTCCTGCCCCGTTTGGGGTAGCCATTGATCTTACACTCGTAACAAGCCT-3'
Protein context (NP_000129.3, residues 2723-2743): YPKRGRKRRS[Thr2733Arg]NETDASNIED